The following is an entry in ClinVar:

ClinVar aggregate classification (germline): Uncertain significance (1 of 4 stars; one submission).

Conditions:
Fanconi anemia (FA). Also called: Fanconi's anemia. Identifiers: Orphanet 84, MedGen C0015625, MeSH D005199, MONDO:0019391.

Allele frequency attached by ClinVar (database versions not stated): TOPMed below 0.00001; gnomAD 0.00001.
gnomAD v4.1: 3 of 1,614,040 alleles (0.00019%); highest among the groups gnomAD compares: East Asian, 0.0022%; no homozygotes.

Submission:

Labcorp Genetics (formerly Invitae), Labcorp
Classification: Uncertain significance for Fanconi anemia. Last evaluated: 2022-05-31. Review status: criteria provided, single submitter. Criteria: Invitae Variant Classification Sherloc (09022015). Collection method: clinical testing. Allele origin: germline.
Comment: This sequence change replaces glutamine, which is neutral and polar, with proline, which is neutral and non-polar, at codon 913 of the FANCI protein (p.Gln913Pro). This variant is not present in population databases (gnomAD no frequency). This variant has not been reported in the literature in individuals affected with FANCI-related conditions. Algorithms developed to predict the effect of missense changes on protein structure and function are either unavailable or do not agree on the potential impact of this missense change (SIFT: "Tolerated"; PolyPhen-2: "Possibly Damaging"; Align-GVGD: "Class C0"). In summary, the available evidence is currently insufficient to determine the role of this variant in disease. Therefore, it has been classified as a Variant of Uncertain Significance.

NM_001113378.2(FANCI):c.2738A>C (p.Gln913Pro)

Gene: FANCI (FA complementation group I; plus strand). Cytogenetic location: 15q26.1.
Variant type: single nucleotide variant.
Coding change: c.2738A>C on transcript NM_001113378.2 (MANE Select); coding-DNA position 2738, A replaced by C.
Protein change: p.Gln913Pro; replaces glutamine 913 with proline.
Molecular consequence: missense variant.
Genome position (GRCh38, 1-based): chr15:89,299,901, A>C. VCF-style: chr15-89299901-A-C. GRCh37 (hg19) VCF-style: chr15-89843132-A-C.
Other names: c.2459A>C, p.Gln820Pro (NM_001376910.1); c.2738A>C, p.Gln913Pro (NM_001376911.1); c.2558A>C, p.Gln853Pro (NM_018193.3); short protein forms Q820P, Q853P, Q913P.
Identifiers: ClinVar variation 2168878 (VCV002168878.1), dbSNP rs2054464207, ClinGen allele CA393736959.
Genomic context (GRCh38, chr15:89,299,901, plus strand): 5'-AAGAGTCGGGAAAGAAAGAGAAAGGAAAGAGCATCTCACTGCTGTGCTTGGAGGGTTTAC[A>C]GAAAATATTCAGTGCTGTGCAACAGTTCTATCAGCCCAAGATTCAGCAGTTTCTCAGAGC-3'
Protein context (NP_001106849.1, residues 903-923): SISLLCLEGL[Gln913Pro]KIFSAVQQFY